The following is an entry in ClinVar:

ClinVar aggregate classification (germline): Uncertain significance. Review status: criteria provided, multiple submitters, no conflicts (2 of 4 stars). 2 submissions from 2 submitters: Uncertain significance (2). Last evaluated 2024-10-24.

Conditions:
Inborn genetic diseases. Identifiers: MedGen C0950123, MeSH D030342.

Allele frequency attached by ClinVar (database versions not stated): gnomAD exomes 0.00001; gnomAD 0.00002; TOPMed 0.00002.
gnomAD v4.1: 25 of 1,613,700 alleles (0.0015%); highest among the groups gnomAD compares: Admixed American, 0.01%; no homozygotes.

Submissions (2):

Ambry Genetics
Classification: Uncertain significance for Inborn genetic diseases. Last evaluated: 2024-10-24. Review status: criteria provided, single submitter. Criteria: Ambry Variant Classification Scheme 2023. Collection method: clinical testing. Allele origin: germline.

Labcorp Genetics (formerly Invitae), Labcorp
Classification: Uncertain significance. Last evaluated: 2022-08-23. Review status: criteria provided, single submitter. Criteria: Invitae Variant Classification Sherloc (09022015). Collection method: clinical testing. Allele origin: germline.
Comment: This sequence change replaces valine, which is neutral and non-polar, with methionine, which is neutral and non-polar, at codon 1383 of the MYO15A protein (p.Val1383Met). This variant is present in population databases (no rsID available, gnomAD 0.006%). This variant has not been reported in the literature in individuals affected with MYO15A-related conditions. Advanced modeling of protein sequence and biophysical properties (such as structural, functional, and spatial information, amino acid conservation, physicochemical variation, residue mobility, and thermodynamic stability) performed at Invitae indicates that this missense variant is not expected to disrupt MYO15A protein function. In summary, the available evidence is currently insufficient to determine the role of this variant in disease. Therefore, it has been classified as a Variant of Uncertain Significance.

NM_016239.4(MYO15A):c.4147G>A (p.Val1383Met)

Gene: MYO15A (myosin XVA; plus strand). Cytogenetic location: 17p11.2.
Variant type: single nucleotide variant.
Coding change: c.4147G>A on transcript NM_016239.4 (MANE Select); coding-DNA position 4147, G replaced by A.
Protein change: p.Val1383Met; replaces valine 1383 with methionine.
Molecular consequence: missense variant.
Genome position (GRCh38, 1-based): chr17:18,131,472, G>A. VCF-style: chr17-18131472-G-A. GRCh37 (hg19) VCF-style: chr17-18034786-G-A.
Other names: c.4147G>A (NM_016239.3); short protein forms V1383M.
Identifiers: ClinVar variation 2187999 (VCV002187999.2), dbSNP rs1345362965, ClinGen allele CA398592722.